The following is an entry in ClinVar:

ClinVar aggregate classification (germline): Likely benign (1 of 4 stars; one submission).

gnomAD v4.1: 5 of 1,613,846 alleles (0.00031%); highest among the groups gnomAD compares: Non-Finnish European, 0.00042%; no homozygotes.

Submission:

CeGaT Center for Human Genetics Tuebingen
Classification: Likely benign. Last evaluated: 2026-02-01. Review status: criteria provided, single submitter. Criteria: CeGaT Center For Human Genetics Tuebingen Variant Classification Criteria Version 2. Collection method: clinical testing. Allele origin: germline. Affected: yes. Observed: 1 variant allele.
Comment: DDHD1: BP4, BP7

NM_001160148.2(DDHD1):c.726G>A (p.Thr242=)

Gene: DDHD1 (DDHD domain containing 1; minus strand). Cytogenetic location: 14q22.1.
Variant type: single nucleotide variant.
Coding change: c.726G>A on transcript NM_001160148.2 (MANE Select); coding-DNA position 726, G replaced by A.
Protein change: p.Thr242=; no amino-acid change (threonine 242 retained).
Molecular consequence: synonymous variant.
Genome position (GRCh38, 1-based): chr14:53,152,373, C>T on the plus strand (G>A on the coding strand, the complement: DDHD1 is on the minus strand). VCF-style: chr14-53152373-C-T. GRCh37 (hg19) VCF-style: chr14-53619091-C-T.
Other names: c.726G>A, p.Thr242= (NM_001160147.2, NM_030637.3).
Identifiers: ClinVar variation 4823298 (VCV004823298.4).
Genomic context (GRCh38, chr14:53,152,373, plus strand): 5'-GCCGCCCCGCACGCACACAGGCTCGATGTTCACAAGCTCCACCATCTCCGGCTCGTGCCC[C>T]GTCGTACTCTGGCAGAAGCCGCAGGCGCGGTCCTCATCGTCATCTTCTCCGGAACTGGAG-3'
Protein context (NP_001153620.1, residues 232-252): DRACGFCQST[Thr242=]GHEPEMVELV